The following is an entry in ClinVar:

NM_194248.3(OTOF):c.3925_4023+169delinsG

Gene: OTOF (otoferlin; minus strand). Cytogenetic location: 2p23.3.
Variant type: Indel.
Coding change: c.3925_4023+169delinsG on transcript NM_194248.3 (MANE Select); coding-DNA position 3925 through 169 bases into the intron after coding-DNA position 4023, the reference bases replaced by G.
Molecular consequence: splice donor variant.
Genome position (GRCh38, 1-based): chr2:26,470,424-26,470,691, 268 bases replaced. GRCh37 (hg19): chr2:26,693,292-26,693,559.
Other names: c.3925_4023+169delinsG (NM_001287489.2); c.1624_1722+169delinsG (NM_194323.3, NM_004802.4); c.1855_1953+169delinsG (NM_194322.3).
Identifiers: ClinVar variation 2825972 (VCV002825972.3), dbSNP rs2465548821, ClinGen allele CA2739274215.

ClinVar aggregate classification (germline): Likely pathogenic (1 of 4 stars; one submission).

Submission:

Labcorp Genetics (formerly Invitae), Labcorp
Classification: Likely pathogenic. Last evaluated: 2023-05-03. Review status: criteria provided, single submitter. Criteria: Invitae Variant Classification Sherloc (09022015). Collection method: clinical testing. Allele origin: germline.
Comment: This variant results in the deletion of part of exon 32 (c.3925_4023+169delinsG) of the OTOF gene. It is expected to disrupt RNA splicing. Variants that disrupt the donor or acceptor splice site typically lead to a loss of protein function (PMID: 16199547), and loss-of-function variants in OTOF are known to be pathogenic (PMID: 18381613, 19250381, 22575033). This variant is not present in population databases (gnomAD no frequency). This variant has not been reported in the literature in individuals affected with OTOF-related conditions. Algorithms developed to predict the effect of sequence changes on RNA splicing suggest that this variant may disrupt the consensus splice site. In summary, the currently available evidence indicates that the variant is pathogenic, but additional data are needed to prove that conclusively. Therefore, this variant has been classified as Likely Pathogenic.

Literature cited by the submitters: PubMed 16199547; PubMed 18381613; PubMed 19250381; PubMed 22575033.